The following is an entry in ClinVar:

ClinVar aggregate classification (germline): Uncertain significance (1 of 4 stars; one submission).

gnomAD v4.1: 1 of 1,587,642 alleles (0.000063%); highest among the groups gnomAD compares: Non-Finnish European, 0.000086%; no homozygotes.

Submission:

Labcorp Genetics (formerly Invitae), Labcorp
Classification: Uncertain significance. Last evaluated: 2022-08-16. Review status: criteria provided, single submitter. Criteria: Invitae Variant Classification Sherloc (09022015). Collection method: clinical testing. Allele origin: germline.
Comment: In summary, the available evidence is currently insufficient to determine the role of this variant in disease. Therefore, it has been classified as a Variant of Uncertain Significance. Variants that disrupt the consensus splice site are a relatively common cause of aberrant splicing (PMID: 17576681, 9536098). Algorithms developed to predict the effect of sequence changes on RNA splicing suggest that this variant may disrupt the consensus splice site. ClinVar contains an entry for this variant (Variation ID: 1058727). This variant has not been reported in the literature in individuals affected with SLC24A1-related conditions. This variant is not present in population databases (gnomAD no frequency). This sequence change falls in intron 9 of the SLC24A1 gene. It does not directly change the encoded amino acid sequence of the SLC24A1 protein. It affects a nucleotide within the consensus splice site.

Literature cited by the submitters: PubMed 17576681; PubMed 9536098.

NM_004727.3(SLC24A1):c.3050+6T>G

Gene: SLC24A1 (solute carrier family 24 member 1; plus strand). Cytogenetic location: 15q22.31.
Variant type: single nucleotide variant.
Coding change: c.3050+6T>G on transcript NM_004727.3 (MANE Select); 6 bases into the intron after coding-DNA position 3050, T replaced by G.
Molecular consequence: intron variant.
Genome position (GRCh38, 1-based): chr15:65,652,814, T>G. VCF-style: chr15-65652814-T-G. GRCh37 (hg19) VCF-style: chr15-65945152-T-G.
Other names: c.2996+6T>G (NM_001301033.2, NM_001301032.1); c.2960+6T>G (NM_001301031.1); c.1031+6T>G (NM_001254740.2).
Identifiers: ClinVar variation 1058727 (VCV001058727.7), dbSNP rs2141727635, ClinGen allele CA2499223048.